The following is an entry in ClinVar:

ClinVar aggregate classification (germline): Uncertain significance. Review status: criteria provided, multiple submitters, no conflicts (2 of 4 stars). 2 submissions from 2 submitters: Uncertain significance (2). Last evaluated 2024-05-21.

Allele frequency attached by ClinVar (database versions not stated): gnomAD 0.00003; TOPMed 0.00003.
gnomAD v4.1: 36 of 1,614,048 alleles (0.0022%); highest among the groups gnomAD compares: Non-Finnish European, 0.003%; no homozygotes.

Submissions (2):

Labcorp Genetics (formerly Invitae), Labcorp
Classification: Uncertain significance. Last evaluated: 2024-05-21. Review status: criteria provided, single submitter. Criteria: Invitae Variant Classification Sherloc (09022015). Collection method: clinical testing. Allele origin: germline.
Comment: This sequence change replaces glutamine, which is neutral and polar, with proline, which is neutral and non-polar, at codon 289 of the RINT1 protein (p.Gln289Pro). This variant is present in population databases (no rsID available, gnomAD 0.003%). This variant has not been reported in the literature in individuals affected with RINT1-related conditions. ClinVar contains an entry for this variant (Variation ID: 842031). An algorithm developed to predict the effect of missense changes on protein structure and function (PolyPhen-2) suggests that this variant is likely to be tolerated. In summary, the available evidence is currently insufficient to determine the role of this variant in disease. Therefore, it has been classified as a Variant of Uncertain Significance.

Ambry Genetics
Classification: Uncertain significance. Last evaluated: 2024-01-12. Review status: criteria provided, single submitter. Criteria: Ambry Variant Classification Scheme 2023. Collection method: clinical testing. Allele origin: germline.
Comment: The p.Q289P variant (also known as c.866A>C), located in coding exon 7 of the RINT1 gene, results from an A to C substitution at nucleotide position 866. The glutamine at codon 289 is replaced by proline, an amino acid with similar properties. This amino acid position is conserved. In addition, this alteration is predicted to be tolerated by in silico analysis. Since supporting evidence is limited at this time, the clinical significance of this alteration remains unclear.

NM_021930.6(RINT1):c.866A>C (p.Gln289Pro)

Gene: RINT1 (RAD50 interactor 1; plus strand). Cytogenetic location: 7q22.3.
Variant type: single nucleotide variant.
Coding change: c.866A>C on transcript NM_021930.6 (MANE Select); coding-DNA position 866, A replaced by C.
Protein change: p.Gln289Pro; replaces glutamine 289 with proline.
Molecular consequence: missense variant. On other transcripts: 5 prime UTR variant (2), non-coding transcript variant (1), intron variant (1).
Genome position (GRCh38, 1-based): chr7:105,548,580, A>C. VCF-style: chr7-105548580-A-C. GRCh37 (hg19) VCF-style: chr7-105189027-A-C.
Other names: c.632A>C, p.Gln211Pro (NM_001346599.2); c.-154A>C (NM_001346600.2); c.-59A>C (NM_001346601.2); c.-27-1475A>C (NM_001346603.2); short protein forms Q289P, Q211P.
Identifiers: ClinVar variation 842031 (VCV000842031.12), dbSNP rs747465384, ClinGen allele CA164056471.
Genomic context (GRCh38, chr7:105,548,580, plus strand): 5'-TTTTGATTCTTTTTCCTTGACTTGATTATGTCAGAGATGAATTACTTACTGAGCCAAAGC[A>C]ACTCCCAGAAAAATACTCTCTTCCTGCCTCCCCTTCTGTCATCCTGCCCATCCAGGTTAT-3'
Protein context (NP_068749.3, residues 279-299): TSDELLTEPK[Gln289Pro]LPEKYSLPAS